The following is an entry in ClinVar:

NM_000138.5(FBN1):c.6659G>A (p.Arg2220Gln)

Gene: FBN1 (fibrillin 1; minus strand). Cytogenetic location: 15q21.1.
Variant type: single nucleotide variant.
Coding change: c.6659G>A on transcript NM_000138.5 (MANE Select); coding-DNA position 6659, G replaced by A.
Protein change: p.Arg2220Gln; replaces arginine 2220 with glutamine.
Molecular consequence: missense variant.
Genome position (GRCh38, 1-based): chr15:48,432,946, C>T on the plus strand (G>A on the coding strand, the complement: FBN1 is on the minus strand). VCF-style: chr15-48432946-C-T. GRCh37 (hg19) VCF-style: chr15-48725143-C-T.
Other names: short protein forms R2220Q.
Identifiers: ClinVar variation 549357 (VCV000549357.18), dbSNP rs780651466, ClinGen allele CA057196.

ClinVar aggregate classification (germline): Uncertain significance. Review status: criteria provided, multiple submitters, no conflicts (2 of 4 stars). 11 submissions from 11 submitters: Uncertain significance (6). 5 of the submissions do not count toward it. Last evaluated 2024-11-04.

Conditions:
MASS syndrome (OCTD). Also called: OVERLAP CONNECTIVE TISSUE DISEASE; MASS PHENOTYPE. Identifiers: MedGen C1858556, MONDO:0011431, OMIM 604308.
Progeroid and marfanoid aspect-lipodystrophy syndrome. Also called: MARFANOID-PROGEROID SYNDROME; MARFAN-PROGEROID-LIPODYSTROPHY SYNDROME; Marfan lipodystrophy syndrome; MARFANOID-PROGEROID-LIPODYSTROPHY SYNDROME. Identifiers: Orphanet 300382, MedGen C4310796, MONDO:0014831, OMIM 616914.
Ectopia lentis 1, isolated, autosomal dominant (ECTOL1). Identifiers: Orphanet 1885, MedGen C3541518, MONDO:0007514, OMIM 129600.
Weill-Marchesani syndrome 2, dominant. Also called: Weill-Marchesani Syndrome, Autosomal Dominant; FBN1-Related Weill-Marchesani Syndrome. Identifiers: Orphanet 2084, MedGen C1869115, MONDO:0012013, OMIM 608328.
Acromicric dysplasia (ACMICD). Also called: Acromicric skeletal dysplasia. Identifiers: Orphanet 969, MedGen C0265287, MONDO:0007055, OMIM 102370.
Geleophysic dysplasia 2 (GPHYSD2). Identifiers: Orphanet 2623, MedGen C3280054, MONDO:0013612, OMIM 614185.
Stiff skin syndrome (SSKS). Identifiers: Orphanet 2833, MedGen C1861456, MONDO:0008492, OMIM 184900.
Marfan syndrome (MFS). Also called: Marfan syndrome type 1; Marfan syndrome, classic; Marfan's syndrome; FBN1-Related Marfan Syndrome; MARFAN SYNDROME, TYPE I. Identifiers: Orphanet 284963, Orphanet 558, MedGen C0024796, MONDO:0007947, OMIM 154700.
Familial thoracic aortic aneurysm and aortic dissection (TAAD). Also called: Thoracic aortic aneurysms and dissections. Identifiers: Orphanet 91387, MedGen C4707243, MONDO:0019625.

Allele frequency attached by ClinVar (database versions not stated): gnomAD exomes 0.00001; TOPMed 0.00001; ExAC 0.00001; gnomAD 0.00001.
gnomAD v4.1: 12 of 1,613,452 alleles (0.00074%); highest among the groups gnomAD compares: African/African-American, 0.004%; no homozygotes.

Submissions (11):

Labcorp Genetics (formerly Invitae), Labcorp
Classification: Uncertain significance for Marfan syndrome; Familial thoracic aortic aneurysm and aortic dissection. Last evaluated: 2024-11-04. Review status: criteria provided, single submitter. Criteria: Invitae Variant Classification Sherloc (09022015). Collection method: clinical testing. Allele origin: germline.
Comment: This sequence change replaces arginine, which is basic and polar, with glutamine, which is neutral and polar, at codon 2220 of the FBN1 protein (p.Arg2220Gln). This variant is present in population databases (rs780651466, gnomAD 0.005%). This missense change has been observed in individual(s) with aortic dissection (PMID: 30056620). ClinVar contains an entry for this variant (Variation ID: 549357). Invitae Evidence Modeling of protein sequence and biophysical properties (such as structural, functional, and spatial information, amino acid conservation, physicochemical variation, residue mobility, and thermodynamic stability) indicates that this missense variant is expected to disrupt FBN1 protein function with a positive predictive value of 95%. In summary, the available evidence is currently insufficient to determine the role of this variant in disease. Therefore, it has been classified as a Variant of Uncertain Significance.

GeneDx
Classification: Uncertain significance. Last evaluated: 2023-09-13. Review status: criteria provided, single submitter. Criteria: GeneDx Variant Classification Process June 2021. Collection method: clinical testing. Allele origin: germline. Affected: yes.
Comment: Has been reported as a variant of uncertain significance in an individual with ascending aortic aneurysm (Zheng et al., 2018); Not observed at significant frequency in large population cohorts (gnomAD); In silico analysis supports that this missense variant has a deleterious effect on protein structure/function; Although located in a calcium-binding EGF-like domain of the FBN1 gene, it does not affect a cysteine residue within this domain; cysteine substitutions in the calcium-binding EGF-like domains represent the majority of pathogenic missense changes associated with FBN1-related disorders (Collod-Beroud et al., 2003); This variant is associated with the following publications: (PMID: 30056620)

Intergen Genetics and Rare Diseases Diagnosis Center
Classification: Uncertain significance for Marfan syndrome. Last evaluated: 2023-08-28. Review status: criteria provided, single submitter. Criteria: ACMG Guidelines, 2015. Collection method: clinical testing. Allele origin: germline. Inheritance: Autosomal dominant inheritance. Observed: 1 heterozygote.

MGZ Medical Genetics Center
Classification: Uncertain significance for Marfan syndrome. Last evaluated: 2022-05-31. Review status: criteria provided, single submitter. Criteria: ACMG Guidelines, 2015. Collection method: clinical testing. Allele origin: germline. Affected: yes. Observed: 2 variant alleles.
Comment: ACMG criteria applied: PM1, PM2_SUP, PP2, PP3

Fulgent Genetics
Classification: Uncertain significance for Acromicric dysplasia; Ectopia lentis 1, isolated, autosomal dominant; Marfan syndrome; Stiff skin syndrome; MASS syndrome; Weill-Marchesani syndrome 2, dominant; Geleophysic dysplasia 2; Progeroid and marfanoid aspect-lipodystrophy syndrome. Last evaluated: 2022-01-10. Review status: criteria provided, single submitter. Criteria: ACMG Guidelines, 2015. Collection method: clinical testing. Allele origin: unknown.

Blueprint Genetics
Classification: Uncertain significance. Last evaluated: 2021-10-04. Review status: criteria provided, single submitter. Criteria: ACMG Guidelines, 2015. Collection method: clinical testing. Allele origin: germline.

Department of Laboratory Medicine and Genetics, Samsung Medical Center
Classification: Uncertain significance for Marfan syndrome. Last evaluated: 2025-01-02. Review status: no assertion criteria provided. Collection method: clinical testing. Allele origin: germline. Not counted in ClinVar's aggregate classification.
Comment: The NM_000138.5:c.6659G>A is considered to be not rare in the general population database (gnomAD v2.1.1). In summary, the available evidence is currently insufficient to evaluate the pathogenicity of this variant, resulting its classification as a variant of uncertain significance (BS1).

Center for Medical Genetics Ghent, University of Ghent
Classification: Uncertain significance for Marfan syndrome. Last evaluated: 2017-11-07. Review status: no assertion criteria provided. Collection method: clinical testing. Allele origin: germline. Affected: yes. Not counted in ClinVar's aggregate classification.

Clinical Genetics DNA and cytogenetics Diagnostics Lab, Erasmus MC, Erasmus Medical Center
Classification: Uncertain significance. Review status: no assertion criteria provided. Collection method: clinical testing. Allele origin: germline. Affected: yes. Study: VKGL Data-share Consensus. Not counted in ClinVar's aggregate classification.

Genome Diagnostics Laboratory, Amsterdam University Medical Center
Classification: Uncertain significance. Review status: no assertion criteria provided. Collection method: clinical testing. Allele origin: germline. Affected: yes. Study: VKGL Data-share Consensus. Not counted in ClinVar's aggregate classification.

Genome Diagnostics Laboratory, University Medical Center Utrecht
Classification: Uncertain significance. Review status: no assertion criteria provided. Collection method: clinical testing. Allele origin: germline. Affected: yes. Study: VKGL Data-share Consensus. Not counted in ClinVar's aggregate classification.

Literature cited by the submitters: PubMed 30056620 (cited by Labcorp Genetics (formerly Invitae), Labcorp and Department of Laboratory Medicine and Genetics, Samsung Medical Center).